The following is an entry in ClinVar:

NM_006206.6(PDGFRA):c.704G>A (p.Cys235Tyr)

Gene: PDGFRA (platelet derived growth factor receptor alpha; plus strand). Cytogenetic location: 4q12.
Variant type: single nucleotide variant.
Coding change: c.704G>A on transcript NM_006206.6 (MANE Select); coding-DNA position 704, G replaced by A.
Protein change: p.Cys235Tyr; replaces cysteine 235 with tyrosine.
Molecular consequence: missense variant.
Genome position (GRCh38, 1-based): chr4:54,264,994, G>A. VCF-style: chr4-54264994-G-A. GRCh37 (hg19) VCF-style: chr4-55131161-G-A.
Other names: c.704G>A, p.Cys235Tyr (NM_001347827.2, NM_001347829.2); c.779G>A, p.Cys260Tyr (NM_001347828.2); c.743G>A, p.Cys248Tyr (NM_001347830.2); short protein forms C235Y, C248Y, C260Y.
Identifiers: ClinVar variation 4530323 (VCV004530323.2).

ClinVar aggregate classification (germline): Uncertain significance (1 of 4 stars; one submission).
ClinVar aggregate classification (somatic clinical impact): Tier I - Strong. Review status: criteria provided, single submitter (1 of 4 stars). 2 submissions from 1 submitter. Last evaluated 2025-06-17.

Conditions:
Hereditary cancer-predisposing syndrome. Also called: Neoplastic Syndromes, Hereditary; Tumor predisposition; Hereditary Cancer Syndrome; Hereditary neoplastic syndrome. Identifiers: Orphanet 140162, MedGen C0027672, MeSH D009386, MONDO:0015356.
Diffuse glioma, H3 G34 mutant. Identifiers: MedGen CN377580, MONDO:0957197.
IDH-wildtype glioblastoma. Identifiers: MedGen CN372125, MONDO:0850335.

Submissions (3):

Ambry Genetics
Classification: Uncertain significance for Hereditary cancer-predisposing syndrome. Last evaluated: 2026-03-02. Review status: criteria provided, single submitter. Criteria: Ambry Variant Classification Scheme 2023. Collection method: clinical testing. Allele origin: germline.
Comment: The p.C235Y variant (also known as c.704G>A), located in coding exon 4 of the PDGFRA gene, results from a G to A substitution at nucleotide position 704. The cysteine at codon 235 is replaced by tyrosine, an amino acid with highly dissimilar properties. This amino acid position is highly conserved in available vertebrate species. In addition, this alteration is predicted to be deleterious by in silico analysis. Based on the available evidence, the clinical significance of this variant remains unclear.

Institute for Genomic Medicine (IGM) Clinical Laboratory, Nationwide Children's Hospital
Classification: Tier I - Strong for Diffuse glioma, H3 G34 mutant. Assertion type: diagnostic. Clinical significance: supports diagnosis. Last evaluated: 2025-06-17. Review status: criteria provided, single submitter. Criteria: AMP/ASCO/CAP Guidelines, 2017. Collection method: clinical testing. Allele origin: somatic. Affected: yes.
Comment: Variant has Tier I (strong) clinical significance as a diagnostic inclusion criterion in diffuse glioma, H3 G34 mutant, based on the following evidence: 1) Information in the literature supports potential biologic effect of variant (PMIDs: 23970477, 20129251). 2) Diagnostic for a specific tumor type/classification based on well-powered studies with expert-level consensus (Evidence Level B; PMIDs: 24705251, 25230881, 28966033, 29763623, 24705250).

Institute for Genomic Medicine (IGM) Clinical Laboratory, Nationwide Children's Hospital
Classification: Tier I - Strong for IDH-wildtype glioblastoma. Assertion type: diagnostic. Clinical significance: supports diagnosis. Last evaluated: 2023-01-26. Review status: criteria provided, single submitter. Criteria: AMP/ASCO/CAP Guidelines, 2017. Collection method: clinical testing. Allele origin: somatic. Affected: yes.
Comment: Variant has Tier I (strong) clinical significance as a diagnostic inclusion criterion in IDH-wildtype glioblastoma, based on the following evidence: 1) Documented in one or more cancer databases (e.g., St. Jude Pecan, COSMIC, CIViC, OncoKB). 2) Appears in one or more well-established professional guidelines (e.g., World Health Organization [WHO]; National Comprehensive Cancer Network [NCCN]) as providing diagnostic, prognostic, or therapeutic information. 3) Information in the literature supports potential biologic effect of variant (PMIDs: 23970477, 33259802). 4) Diagnostic for a specific tumor type/classification based on well-powered studies with expert-level consensus (Evidence Level B; PMIDs: 24705251, 25230881, 28966033, 29763623, 24705250).

Literature cited by the submitters: PubMed 23970477 (cited by Institute for Genomic Medicine (IGM) Clinical Laboratory, Nationwide Children's Hospital); PubMed 20129251 (cited by Institute for Genomic Medicine (IGM) Clinical Laboratory, Nationwide Children's Hospital); PubMed 24705251 (cited by Institute for Genomic Medicine (IGM) Clinical Laboratory, Nationwide Children's Hospital); PubMed 25230881 (cited by Institute for Genomic Medicine (IGM) Clinical Laboratory, Nationwide Children's Hospital); PubMed 28966033 (cited by Institute for Genomic Medicine (IGM) Clinical Laboratory, Nationwide Children's Hospital); PubMed 29763623 (cited by Institute for Genomic Medicine (IGM) Clinical Laboratory, Nationwide Children's Hospital); PubMed 24705250 (cited by Institute for Genomic Medicine (IGM) Clinical Laboratory, Nationwide Children's Hospital); PubMed 33259802 (cited by Institute for Genomic Medicine (IGM) Clinical Laboratory, Nationwide Children's Hospital).